The following is an entry in ClinVar:

NM_002156.5(HSPD1):c.1005A>C (p.Glu335Asp)

Gene: HSPD1 (heat shock protein family D (Hsp60) member 1; minus strand). Cytogenetic location: 2q33.1.
Variant type: single nucleotide variant.
Coding change: c.1005A>C on transcript NM_002156.5 (MANE Select); coding-DNA position 1005, A replaced by C.
Protein change: p.Glu335Asp; replaces glutamic acid 335 with aspartic acid.
Molecular consequence: missense variant.
Genome position (GRCh38, 1-based): chr2:197,489,212, T>G on the plus strand (A>C on the coding strand, the complement: HSPD1 is on the minus strand). VCF-style: chr2-197489212-T-G. GRCh37 (hg19) VCF-style: chr2-198353936-T-G.
Other names: c.1005A>C, p.Glu335Asp (NM_199440.2); short protein forms E335D.
Identifiers: ClinVar variation 4085976 (VCV004085976.8).

ClinVar aggregate classification (germline): Uncertain significance (1 of 4 stars; one submission).

Submission:

CeGaT Center for Human Genetics Tuebingen
Classification: Uncertain significance. Last evaluated: 2025-08-01. Review status: criteria provided, single submitter. Criteria: CeGaT Center For Human Genetics Tuebingen Variant Classification Criteria Version 2. Collection method: clinical testing. Allele origin: germline. Affected: yes. Observed: 1 variant allele.
Comment: HSPD1: PM2